The following is an entry in ClinVar:

ClinVar aggregate classification (germline): Uncertain significance (1 of 4 stars; one submission).

Conditions:
Immunodeficiency. Identifiers: MedGen C0021051, MONDO:0021094, HP:0002721.

Allele frequency attached by ClinVar (database versions not stated): gnomAD exomes below 0.00001.
gnomAD v4.1: 1 of 1,614,208 alleles (0.000062%); highest among the groups gnomAD compares: Non-Finnish European, 0.000085%; no homozygotes.

Submission:

Labcorp Genetics (formerly Invitae), Labcorp
Classification: Uncertain significance for Immunodeficiency. Last evaluated: 2022-03-03. Review status: criteria provided, single submitter. Criteria: Invitae Variant Classification Sherloc (09022015). Collection method: clinical testing. Allele origin: germline.
Comment: This sequence change replaces serine, which is neutral and polar, with alanine, which is neutral and non-polar, at codon 837 of the NFAT5 protein (p.Ser837Ala). This variant is present in population databases (no rsID available, gnomAD 0.0009%). This variant has not been reported in the literature in individuals affected with NFAT5-related conditions. Algorithms developed to predict the effect of missense changes on protein structure and function (SIFT, PolyPhen-2, Align-GVGD) all suggest that this variant is likely to be tolerated. In summary, the available evidence is currently insufficient to determine the role of this variant in disease. Therefore, it has been classified as a Variant of Uncertain Significance.

NM_138713.4(NFAT5):c.2791T>G (p.Ser931Ala)

Gene: NFAT5 (nuclear factor of activated T cells 5; plus strand). Cytogenetic location: 16q22.1.
Variant type: single nucleotide variant.
Coding change: c.2791T>G on transcript NM_138713.4 (MANE Select); coding-DNA position 2791, T replaced by G.
Protein change: p.Ser931Ala; replaces serine 931 with alanine.
Molecular consequence: missense variant.
Genome position (GRCh38, 1-based): chr16:69,692,616, T>G. VCF-style: chr16-69692616-T-G. GRCh37 (hg19) VCF-style: chr16-69726519-T-G.
Other names: c.2788T>G, p.Ser930Ala (NM_001113178.3); c.2116T>G, p.Ser706Ala (NM_001367709.1); c.2737T>G, p.Ser913Ala (NM_006599.4); c.2509T>G, p.Ser837Ala (NM_138714.4, NM_173214.3, NM_173215.3); short protein forms S931A, S913A, S930A, S837A, S706A.
Identifiers: ClinVar variation 1498303 (VCV001498303.8), dbSNP rs1304385326, ClinGen allele CA396510874.